The following is an entry in ClinVar:

ClinVar aggregate classification (germline): Conflicting classifications of pathogenicity. Review status: criteria provided, conflicting classifications (1 of 4 stars). 2 submissions from 2 submitters: Uncertain significance (1); Likely benign (1). Last evaluated 2026-08-28.

Conditions:
MYH9-related disorder. Identifiers: MedGen C1854520.

Allele frequency attached by ClinVar (database versions not stated): ExAC 0.00005.
gnomAD v4.1: 51 of 1,614,040 alleles (0.0032%); highest among the groups gnomAD compares: Middle Eastern, 0.016%; no homozygotes.

Submissions (2):

PreventionGenetics, part of Exact Sciences
Classification: Uncertain significance for MYH9-related condition. Last evaluated: 2026-08-28. Review status: criteria provided, single submitter. Criteria: ACMG Guidelines, 2015. Collection method: clinical testing. Allele origin: germline.
Comment: The MYH9 c.60G>T variant is not predicted to result in an amino acid change (p.=). This variant is predicted to alter splicing based on available splicing prediction programs (Alamut Visual plus v1.6.1). However, such computer prediction programs are imperfect. To our knowledge, this variant has not been reported in the literature. This variant is reported in 0.0062% of alleles in individuals of European (Non-Finnish) descent in gnomAD. However, in gnomAD v4 (available only on GRCh38), this variant is reported in 51 alleles globally, which is likely too common for a highly penetrant pathogenic variant in autosomal dominant disorder. Although we suspect that this variant may be benign, at this time, the clinical significance of this variant is uncertain due to the absence of conclusive functional and genetic evidence.

Labcorp Genetics (formerly Invitae), Labcorp
Classification: Likely benign. Last evaluated: 2024-08-15. Review status: criteria provided, single submitter. Criteria: Invitae Variant Classification Sherloc (09022015). Collection method: clinical testing. Allele origin: germline.

NM_002473.6(MYH9):c.60G>T (p.Pro20=)

Gene: MYH9 (myosin heavy chain 9; minus strand). Cytogenetic location: 22q12.3.
Variant type: single nucleotide variant.
Coding change: c.60G>T on transcript NM_002473.6 (MANE Select); coding-DNA position 60, G replaced by T.
Protein change: p.Pro20=; no amino-acid change (proline 20 retained).
Molecular consequence: synonymous variant.
Genome position (GRCh38, 1-based): chr22:36,349,177, C>A on the plus strand (G>T on the coding strand, the complement: MYH9 is on the minus strand). VCF-style: chr22-36349177-C-A. GRCh37 (hg19) VCF-style: chr22-36745222-C-A.
Identifiers: ClinVar variation 3032337 (VCV003032337.5), dbSNP rs754103144, ClinGen allele CA10210728.